The following is an entry in ClinVar:

ClinVar aggregate classification (germline): Pathogenic (1 of 4 stars; one submission).

gnomAD v4.1: 7 of 1,614,056 alleles (0.00043%); highest among the groups gnomAD compares: Admixed American, 0.0033%; no homozygotes.

Submission:

Labcorp Genetics (formerly Invitae), Labcorp
Classification: Pathogenic. Last evaluated: 2026-01-16. Review status: criteria provided, single submitter. Criteria: Invitae Variant Classification Sherloc (09022015). Collection method: clinical testing. Allele origin: germline.
Comment: This sequence change replaces glycine, which is neutral and non-polar, with arginine, which is basic and polar, at codon 991 of the ABCA4 protein (p.Gly991Arg). This variant is present in population databases (no rsID available, gnomAD 0.0009%). This missense change has been observed in individual(s) with Stargardt disease (PMID: 33505770). ClinVar contains an entry for this variant (Variation ID: 1904854). Invitae Evidence Modeling of protein sequence and biophysical properties (such as structural, functional, and spatial information, amino acid conservation, physicochemical variation, residue mobility, and thermodynamic stability) indicates that this missense variant is expected to disrupt ABCA4 protein function with a positive predictive value of 95%. This variant disrupts the p.Gly991 amino acid residue in ABCA4. Other variant(s) that disrupt this residue have been determined to be pathogenic (PMID: 23982839, 32036094; internal data). This suggests that this residue is clinically significant, and that variants that disrupt this residue are likely to be disease-causing. For these reasons, this variant has been classified as Pathogenic.

Literature cited by the submitters: PubMed 33505770; PubMed 23982839; PubMed 32036094.

NM_000350.3(ABCA4):c.2971G>A (p.Gly991Arg)

Gene: ABCA4 (ATP binding cassette subfamily A member 4; minus strand). Cytogenetic location: 1p22.1.
Variant type: single nucleotide variant.
Coding change: c.2971G>A on transcript NM_000350.3 (MANE Select); coding-DNA position 2971, G replaced by A.
Protein change: p.Gly991Arg; replaces glycine 991 with arginine.
Molecular consequence: missense variant.
Genome position (GRCh38, 1-based): chr1:94,044,692, C>T on the plus strand (G>A on the coding strand, the complement: ABCA4 is on the minus strand). VCF-style: chr1-94044692-C-T. GRCh37 (hg19) VCF-style: chr1-94510248-C-T.
Other names: c.2749G>A, p.Gly917Arg (NM_001425324.1); short protein forms G991R, G917R.
Identifiers: ClinVar variation 1904854 (VCV001904854.5), dbSNP rs61749455, ClinGen allele CA341275181.
Genomic context (GRCh38, chr1:94,044,692, plus strand): 5'-GCTGTGGACACATGCCAAGGCTCTGCCGGACTGCATCCAGGCTGGTTTCAATGTCCCTTC[C>T]CCCAACGAGCACAGTCCCAGAGGTTGGTGGCAACAGACCCGTCAGGATGGACCTGCAGAA-3'
Protein context (NP_000341.2, residues 981-1001): PPTSGTVLVG[Gly991Arg]RDIETSLDAV